The following is an entry in ClinVar:

ClinVar aggregate classification (germline): Conflicting classifications of pathogenicity. Review status: criteria provided, conflicting classifications (1 of 4 stars). 9 submissions from 9 submitters: Likely pathogenic (5); Uncertain significance (3). 1 of the submissions does not count toward it. Last evaluated 2025-10-22.

Conditions:
Muscular dystrophy, limb-girdle, autosomal recessive 23. Identifiers: Orphanet 565837, MedGen C4748327, MONDO:0029136, OMIM 618138.
Merosin deficient congenital muscular dystrophy (MDC1A). Also called: Congenital merosin-deficient muscular dystrophy 1A; Congenital Muscular Dystrophy Type 1A (MDC1A). Identifiers: Orphanet 258, MedGen C1263858, MONDO:0011925, OMIM 607855.
LAMA2-related muscular dystrophy (LAMA2-RD). Also called: Laminin alpha 2-related dystrophy. Identifiers: MedGen C5679788, MONDO:0100228.

Allele frequency attached by ClinVar (database versions not stated): gnomAD exomes 0.00001; TOPMed 0.00001; gnomAD 0.00003 and 0.00004.
gnomAD v4.1: 17 of 1,607,586 alleles (0.0011%); highest among the groups gnomAD compares: Admixed American, 0.0017%; no homozygotes.

Submissions (9):

Women's Health and Genetics/Laboratory Corporation of America, LabCorp
Classification: Likely pathogenic for Merosin deficient congenital muscular dystrophy. Last evaluated: 2025-10-22. Review status: criteria provided, single submitter. Criteria: LabCorp Variant Classification Summary - May 2015. Collection method: clinical testing. Allele origin: germline.
Comment: Variant summary: LAMA2 c.830C>T (p.Ser277Leu) results in a non-conservative amino acid change in the encoded protein sequence. Algorithms developed to predict the effect of missense changes on protein structure and function all suggest that this variant is likely to be disruptive. The variant allele was found at a frequency of 8e-06 in 250744 control chromosomes. c.830C>T has been observed in the homozygous and compound heterozygous state in individuals affected with congenital muscular dystrophy (Meytia_2014, Huang_2023, Masri_2022). These data indicate that the variant is likely to be associated with disease. To our knowledge, no experimental evidence demonstrating an impact on protein function has been reported. The following publications have been ascertained in the context of this evaluation (PMID: 24225367, 37206914, 35533453). ClinVar contains an entry for this variant (Variation ID: 92990). Based on the evidence outlined above, the variant was classified as likely pathogenic.

Myriad Genetics, Inc.
Classification: Likely pathogenic for LAMA2-related muscular dystrophy. Last evaluated: 2025-04-04. Review status: criteria provided, single submitter. Criteria: Myriad Autosomal Dominant, Autosomal Recessive and X-Linked Classification Criteria (2023). Collection method: clinical testing. Allele origin: unknown.
Comment: NM_000426.3(LAMA2):c.830C>T(S277L) is a missense variant classified as likely pathogenic in the context of muscular dystrophy, LAMA2-related. S277L has been observed in cases with relevant disease (PMID: 34702656, 35533453, 24225367). Relevant functional assessments of this variant are not available in the literature. Internal structural analysis of the variant is supportive of pathogenicity. S277L has been observed in referenced population frequency databases. In summary, NM_000426.3(LAMA2):c.830C>T(S277L) is a missense variant that has internal structural support for pathogenicity and has been observed more frequently in cases with the relevant disease than in healthy populations. Please note: this variant was assessed in the context of healthy population screening.

Fulgent Genetics
Classification: Likely pathogenic for Merosin deficient congenital muscular dystrophy; Muscular dystrophy, limb-girdle, autosomal recessive 23. Last evaluated: 2024-04-25. Review status: criteria provided, single submitter. Criteria: ACMG Guidelines, 2015. Collection method: clinical testing. Allele origin: germline.

Baylor Genetics
Classification: Likely pathogenic for Merosin deficient congenital muscular dystrophy. Last evaluated: 2023-07-27. Review status: criteria provided, single submitter. Criteria: ACMG Guidelines, 2015. Collection method: clinical testing. Allele origin: unknown.

Labcorp Genetics (formerly Invitae), Labcorp
Classification: Uncertain significance for LAMA2-related muscular dystrophy. Last evaluated: 2022-08-08. Review status: criteria provided, single submitter. Criteria: Invitae Variant Classification Sherloc (09022015). Collection method: clinical testing. Allele origin: germline.
Comment: This sequence change replaces serine, which is neutral and polar, with leucine, which is neutral and non-polar, at codon 277 of the LAMA2 protein (p.Ser277Leu). This variant is present in population databases (rs398123388, gnomAD 0.01%). This missense change has been observed in individual(s) with LAMA2-related muscular dystrophy (PMID: 24225367). In at least one individual the data is consistent with being in trans (on the opposite chromosome) from a pathogenic variant. ClinVar contains an entry for this variant (Variation ID: 92990). Algorithms developed to predict the effect of missense changes on protein structure and function are either unavailable or do not agree on the potential impact of this missense change (SIFT: "Deleterious"; PolyPhen-2: "Probably Damaging"; Align-GVGD: "Class C0"). In summary, the available evidence is currently insufficient to determine the role of this variant in disease. Therefore, it has been classified as a Variant of Uncertain Significance.

Revvity Omics, Revvity
Classification: Uncertain significance. Last evaluated: 2019-11-06. Review status: criteria provided, single submitter. Criteria: ACMG Guidelines, 2015. Collection method: clinical testing. Allele origin: germline.

Eurofins Ntd Llc (ga)
Classification: Uncertain significance. Last evaluated: 2013-05-22. Review status: criteria provided, single submitter. Criteria: EGL Classification Definitions 2015. Collection method: clinical testing. Allele origin: germline. Observed: 1 variant allele, 1 heterozygote.

Hadassah Hebrew University Medical Center
Classification: Likely pathogenic for Muscular dystrophy, limb-girdle, autosomal recessive 23. Review status: criteria provided, single submitter. Criteria: ACMG Guidelines, 2015. Collection method: clinical testing. Allele origin: germline. Inheritance: Autosomal recessive inheritance. Affected: yes.

Counsyl
Classification: Uncertain significance for Merosin deficient congenital muscular dystrophy. Last evaluated: 2017-10-16. Review status: no assertion criteria provided. Collection method: clinical testing. Allele origin: unknown. Not counted in ClinVar's aggregate classification.

Literature cited by the submitters: PubMed 24225367 (cited by 4 submitters); PubMed 35533453 (cited by Women's Health and Genetics/Laboratory Corporation of America, LabCorp and Myriad Genetics, Inc.); PubMed 37206914 (cited by Women's Health and Genetics/Laboratory Corporation of America, LabCorp); PubMed 34702656 (cited by Myriad Genetics, Inc.).

NM_000426.4(LAMA2):c.830C>T (p.Ser277Leu)

Gene: LAMA2 (laminin subunit alpha 2; plus strand). Cytogenetic location: 6q22.33.
Variant type: single nucleotide variant.
Coding change: c.830C>T on transcript NM_000426.4 (MANE Select); coding-DNA position 830, C replaced by T.
Protein change: p.Ser277Leu; replaces serine 277 with leucine.
Molecular consequence: missense variant.
Genome position (GRCh38, 1-based): chr6:129,146,969, C>T. VCF-style: chr6-129146969-C-T. GRCh37 (hg19) VCF-style: chr6-129468114-C-T.
Other names: c.830C>T, p.Ser277Leu (NM_001079823.2); short protein forms S277L.
Identifiers: ClinVar variation 92990 (VCV000092990.15), dbSNP rs398123388, ClinGen allele CA220810.
Genomic context (GRCh38, chr6:129,146,969, plus strand): 5'-TGACCTTGCAGTCATCTTAACAGGATTTCTCTCTGGATTGCTTTTTGCAGTATTACTACT[C>T]GGTCAAGGATATTTCAGTTGGAGGGATGTGCATCTGCTATGGTCATGCCAGGGCTTGTCC-3'
Protein context (NP_000417.3, residues 267-287): DPIVTRRYYY[Ser277Leu]VKDISVGGMC